The following is an entry in ClinVar:

NM_001369.3(DNAH5):c.12279+1G>A

Gene: DNAH5 (dynein axonemal heavy chain 5; minus strand). Cytogenetic location: 5p15.2.
Variant type: single nucleotide variant.
Coding change: c.12279+1G>A on transcript NM_001369.3 (MANE Select); the canonical splice donor site of the intron after coding-DNA position 12279, G replaced by A.
Molecular consequence: splice donor variant.
Genome position (GRCh38, 1-based): chr5:13,720,999, C>T on the plus strand (G>A on the coding strand, the complement: DNAH5 is on the minus strand). VCF-style: chr5-13720999-C-T. GRCh37 (hg19) VCF-style: chr5-13721108-C-T.
Identifiers: ClinVar variation 1916262 (VCV001916262.5), dbSNP rs765520656, ClinGen allele CA3201697.

ClinVar aggregate classification (germline): Likely pathogenic (1 of 4 stars; one submission).

Conditions:
Primary ciliary dyskinesia. Also called: Ciliary dyskinesia. Identifiers: Orphanet 244, MedGen C0008780, MONDO:0016575, HP:0012265.

Allele frequency attached by ClinVar (database versions not stated): ExAC 0.00001; gnomAD 0.00001.
gnomAD v4.1: 4 of 1,613,986 alleles (0.00025%); highest among the groups gnomAD compares: South Asian, 0.0022%; no homozygotes.

Submission:

Labcorp Genetics (formerly Invitae), Labcorp
Classification: Likely pathogenic for Primary ciliary dyskinesia. Last evaluated: 2023-10-04. Review status: criteria provided, single submitter. Criteria: Invitae Variant Classification Sherloc (09022015). Collection method: clinical testing. Allele origin: germline.
Comment: This sequence change affects a donor splice site in intron 71 of the DNAH5 gene. It is expected to disrupt RNA splicing. Variants that disrupt the donor or acceptor splice site typically lead to a loss of protein function (PMID: 16199547), and loss-of-function variants in DNAH5 are known to be pathogenic (PMID: 11788826, 16627867). This variant is present in population databases (rs765520656, gnomAD 0.006%). Disruption of this splice site has been observed in individual(s) with DNAH5-related conditions (PMID: 31638833). ClinVar contains an entry for this variant (Variation ID: 1916262). Algorithms developed to predict the effect of sequence changes on RNA splicing suggest that this variant may disrupt the consensus splice site. In summary, the currently available evidence indicates that the variant is pathogenic, but additional data are needed to prove that conclusively. Therefore, this variant has been classified as Likely Pathogenic.

Literature cited by the submitters: PubMed 16199547; PubMed 11788826; PubMed 16627867; PubMed 31638833.